The following is an entry in ClinVar:

ClinVar aggregate classification (germline): Uncertain significance (1 of 4 stars; one submission).

Submission:

GeneDx
Classification: Uncertain significance. Last evaluated: 2024-12-18. Review status: criteria provided, single submitter. Criteria: GeneDx Variant Classification Process June 2021. Collection method: clinical testing. Allele origin: germline. Affected: yes.
Comment: Not observed at significant frequency in large population cohorts (gnomAD); In silico analysis supports that this missense variant has a deleterious effect on protein structure/function; In silico analysis supports a deleterious effect on splicing; Has not been previously published as pathogenic or benign to our knowledge

NM_002941.4(ROBO1):c.2167T>A (p.Trp723Arg)

Gene: ROBO1 (roundabout guidance receptor 1; minus strand). Cytogenetic location: 3p12.3.
Variant type: single nucleotide variant.
Coding change: c.2167T>A on transcript NM_002941.4 (MANE Select); coding-DNA position 2167, T replaced by A.
Protein change: p.Trp723Arg; replaces tryptophan 723 with arginine.
Molecular consequence: missense variant.
Genome position (GRCh38, 1-based): chr3:78,661,183, A>T on the plus strand (T>A on the coding strand, the complement: ROBO1 is on the minus strand). VCF-style: chr3-78661183-A-T. GRCh37 (hg19) VCF-style: chr3-78710333-A-T.
Other names: c.2059T>A, p.Trp687Arg (NM_001145845.2, NM_133631.4); short protein forms W687R, W723R.
Identifiers: ClinVar variation 3906691 (VCV003906691.1).
Genomic context (GRCh38, chr3:78,661,183, plus strand): 5'-TTCTGAGATCAGGGATTACCACACTGTTTTTGGCTGGCGTCCTCACTTCAAAAACTAACC[A>T]GTCTGATTCTCCGTGGTTGGCTCCAGATGGCCGATAGAGAATTTTATATCCTTGTATATA-3'
Protein context (NP_002932.1, residues 713-733): PSGANHGESD[Trp723Arg]LVFEVRTPAK